The following is an entry in ClinVar:

ClinVar aggregate classification (germline): Uncertain significance (1 of 4 stars; one submission).

Conditions:
Dilated cardiomyopathy 1DD (CMD1DD). Identifiers: Orphanet 154, MedGen C2750995, MONDO:0013168, OMIM 613172.

Submission:

Labcorp Genetics (formerly Invitae), Labcorp
Classification: Uncertain significance for Dilated cardiomyopathy 1DD. Last evaluated: 2021-10-28. Review status: criteria provided, single submitter. Criteria: Invitae Variant Classification Sherloc (09022015). Collection method: clinical testing. Allele origin: germline.
Comment: In summary, the available evidence is currently insufficient to determine the role of this variant in disease. Therefore, it has been classified as a Variant of Uncertain Significance. Algorithms developed to predict the effect of sequence changes on RNA splicing suggest that this variant may create or strengthen a splice site. Experimental studies and prediction algorithms are not available or were not evaluated, and the functional significance of this variant is currently unknown. This variant has not been reported in the literature in individuals affected with RBM20-related conditions. This variant is not present in population databases (gnomAD no frequency). This variant, c.87_92del, results in the deletion of 2 amino acid(s) of the RBM20 protein (p.Arg30_Ala31del), but otherwise preserves the integrity of the reading frame.

NM_001134363.3(RBM20):c.87_92del (p.Arg30_Ala31del)

Gene: RBM20 (RNA binding motif protein 20; plus strand). Cytogenetic location: 10q25.2.
Variant type: Deletion.
Coding change: c.87_92del on transcript NM_001134363.3 (MANE Select); coding-DNA positions 87 to 92, 6 bases deleted (CCGGGC; older notation c.87_92delCCGGGC).
Protein change: p.Arg30_Ala31del.
Molecular consequence: inframe deletion.
Genome position (GRCh38, 1-based): chr10:110,644,541-110,644,546, CCGGGC deleted; deleting any 6 consecutive bases within chr10:110,644,539-110,644,546 gives the same sequence; the c. name uses the placement nearest the transcript's 3' end. VCF-style (leftmost placement, unchanged base first): chr10-110644538-TGCCCGG-T. GRCh37 (hg19) VCF-style: chr10-112404296-TGCCCGG-T.
Identifiers: ClinVar variation 1514321 (VCV001514321.6), dbSNP rs2134792690, ClinGen allele CA2573145536.